The following is an entry in ClinVar:

ClinVar aggregate classification (germline): Benign. Review status: criteria provided, multiple submitters, no conflicts (2 of 4 stars). 10 submissions from 10 submitters: Benign (9). 1 of the submissions does not count toward it. Last evaluated 2026-02-04.

Conditions:
Kabuki syndrome. Also called: NIIKAWA-KUROKI SYNDROME; Kabuki make-up syndrome. Identifiers: Orphanet 2322, MedGen C0796004, MONDO:0016512.

Allele frequency attached by ClinVar (database versions not stated): gnomAD 0.04154 and 0.04312; 1000 Genomes Project 0.01597; TOPMed 0.03444; gnomAD exomes 0.04196 and 0.05142; ExAC 0.04268; 1000 Genomes Project 30x 0.01655; ESP Exome Variant Server 0.03825.
gnomAD v4.1: 77,028 of 1,534,894 alleles (5%); highest among the groups gnomAD compares: Non-Finnish European, 5.7%; 2,365 homozygotes.

Submissions (10):

Labcorp Genetics (formerly Invitae), Labcorp
Classification: Benign for Kabuki syndrome. Last evaluated: 2026-02-04. Review status: criteria provided, single submitter. Criteria: Invitae Variant Classification Sherloc (09022015). Collection method: clinical testing. Allele origin: germline.

Blueprint Genetics
Classification: Benign. Last evaluated: 2024-11-27. Review status: criteria provided, single submitter. Criteria: ACMG Guidelines, 2015. Collection method: clinical testing. Allele origin: germline.

Mayo Clinic Laboratories, Mayo Clinic
Classification: Benign. Last evaluated: 2022-09-06. Review status: criteria provided, single submitter. Criteria: ACMG Guidelines, 2015. Collection method: clinical testing. Allele origin: germline. Observed: 3 variant alleles.

ARUP Laboratories, Molecular Genetics and Genomics, ARUP Laboratories
Classification: Benign. Last evaluated: 2017-08-28. Review status: criteria provided, single submitter. Criteria: ARUP Molecular Germline Variant Investigation Process. Collection method: clinical testing. Allele origin: germline.

Eurofins Ntd Llc (ga)
Classification: Benign. Last evaluated: 2016-03-02. Review status: criteria provided, single submitter. Criteria: EGL Classification Definitions 2015. Collection method: clinical testing. Allele origin: germline. Observed: 37 variant alleles, 34 heterozygotes, 3 homozygotes.

GeneDx
Classification: Benign. Last evaluated: 2015-03-03. Review status: criteria provided, single submitter. Criteria: GeneDx Variant Classification Process June 2021. Collection method: clinical testing. Allele origin: germline. Affected: yes.

Genetic Services Laboratory, University of Chicago
Classification: Benign. Last evaluated: 2013-02-08. Review status: criteria provided, single submitter. Criteria: ACMG Guidelines, 2007. Collection method: clinical testing. Allele origin: germline. Inheritance: Autosomal dominant inheritance.

Breakthrough Genomics
Classification: Benign. Review status: criteria provided, single submitter. Criteria: ACMG Guidelines, 2015. Collection method: not provided. Allele origin: germline. Inheritance: Autosomal dominant inheritance. Affected: yes.

PreventionGenetics, part of Exact Sciences
Classification: Benign. Review status: criteria provided, single submitter. Criteria: ACMG Guidelines, 2015. Collection method: clinical testing. Allele origin: germline.

ITMI
No classification provided. Condition: AllHighlyPenetrant. Last evaluated: 2013-09-19. Review status: no classification provided. Collection method: reference population. Allele origin: germline. Not counted in ClinVar's aggregate classification.
Comment: Please see associated publication for description of ethnicities

Literature cited by the submitters: PubMed 24728327 (cited by ITMI).

NM_003482.4(KMT2D):c.2438C>T (p.Pro813Leu)

Gene: KMT2D (lysine methyltransferase 2D; minus strand). Cytogenetic location: 12q13.12.
Variant type: single nucleotide variant.
Coding change: c.2438C>T on transcript NM_003482.4 (MANE Select); coding-DNA position 2438, C replaced by T.
Protein change: p.Pro813Leu; replaces proline 813 with leucine.
Molecular consequence: missense variant.
Genome position (GRCh38, 1-based): chr12:49,051,245, G>A on the plus strand (C>T on the coding strand, the complement: KMT2D is on the minus strand). VCF-style: chr12-49051245-G-A. GRCh37 (hg19) VCF-style: chr12-49445028-G-A.
Other names: short protein forms P813L.
Identifiers: ClinVar variation 94202 (VCV000094202.29), dbSNP rs75226229, ClinGen allele CA147684.
Genomic context (GRCh38, chr12:49,051,245, plus strand): 5'-AGGTGTGATTCCTCAGGTTGGGGGGACAAGCATGGCTCCTCAGGCACAGGAGACAGGTGC[G>A]GCTCCTCAGTCTGGGGGGACAGGTGCAATTCCTCAGGCTGAGGGGACAGATGTGGTCCCT-3'
Protein context (NP_003473.3, residues 803-823): ELHLSPQTEE[Pro813Leu]HLSPVPEEPC